The following is an entry in ClinVar:

ClinVar aggregate classification (germline): Pathogenic (1 of 4 stars; one submission).

Conditions:
Brugada syndrome 5 (BRGDA5). Identifiers: Orphanet 130, Orphanet 871, MedGen C2748541, MONDO:0013015, OMIM 612838.

Submission:

Labcorp Genetics (formerly Invitae), Labcorp
Classification: Pathogenic for Brugada syndrome 5. Last evaluated: 2025-08-15. Review status: criteria provided, single submitter. Criteria: Invitae Variant Classification Sherloc (09022015). Collection method: clinical testing. Allele origin: germline.
Comment: This sequence change creates a premature translational stop signal (p.Val9Cysfs*44) in the SCN1B gene. It is expected to result in an absent or disrupted protein product. Loss-of-function variants in SCN1B are known to be pathogenic (PMID: 17629415, 30660056). This variant is not present in population databases (gnomAD no frequency). This variant has not been reported in the literature in individuals affected with SCN1B-related conditions. ClinVar contains an entry for this variant (Variation ID: 3726861). For these reasons, this variant has been classified as Pathogenic.

Literature cited by the submitters: PubMed 17629415; PubMed 30660056.

NM_001037.5(SCN1B):c.24_25insT (p.Val9fs)

Gene: SCN1B (sodium voltage-gated channel beta subunit 1; plus strand). Cytogenetic location: 19q13.11.
Variant type: Insertion.
Coding change: c.24_25insT on transcript NM_001037.5 (MANE Select); coding-DNA positions 24 to 25, T inserted.
Protein change: p.Val9fs; shifts the reading frame from valine 9.
Molecular consequence: frameshift variant.
Genome position: GRCh38 VCF-style: chr19-35030844-G-GT. GRCh37 (hg19) VCF-style: chr19-35521748-G-GT.
Other names: c.24_25insT, p.Val9fs (NM_199037.5); short protein forms V9fs.
Identifiers: ClinVar variation 3726861 (VCV003726861.2).
Genomic context (GRCh38, chr19:35,030,844, plus strand): 5'-CGGCCCGGGAGGGGGGCGCAGCACGCGCCGCGCAGCCATGGGGAGGCTGCTGGCCTTAGT[G>GT]GTCGGCGCGGCACTGGGTGAGTGCGCGGGGGGCGCGCGCGGCCGGGGGGCACCGCGGGGG-3'